The following is an entry in ClinVar:

NM_001754.5(RUNX1):c.1142_1145dup (p.Pro383fs)

Gene: RUNX1 (RUNX family transcription factor 1; minus strand). Cytogenetic location: 21q22.12.
Variant type: Duplication.
Coding change: c.1142_1145dup on transcript NM_001754.5 (MANE Select); coding-DNA positions 1142 to 1145, 4 bases duplicated (TGCC; older notation c.1142_1145dupTGCC).
Protein change: p.Pro383fs; shifts the reading frame from proline 383.
Molecular consequence: frameshift variant.
Genome position (GRCh38, 1-based): chr21:34,792,433-34,792,436, GGCA duplicated on the plus strand (TGCC on the coding strand, the reverse complement: RUNX1 is on the minus strand); duplicating any 4 consecutive bases within chr21:34,792,433-34,792,438 gives the same sequence; the c. name uses the placement nearest the transcript's 3' end. VCF-style (leftmost placement, unchanged base first): chr21-34792432-C-CGGCA. GRCh37 (hg19) VCF-style: chr21-36164729-C-CGGCA.
Other names: NM_001754.5(RUNX1):c.1142_1145dup; p.Pro383fs; c.1061_1064dup, p.Pro356fs (NM_001001890.3); short protein forms P356fs, P383fs.
Identifiers: ClinVar variation 1338564 (VCV001338564.6), dbSNP rs2145876252, ClinGen allele CA2573054925.
Genomic context (GRCh38, chr21:34,792,432, plus strand): 5'-GGAGGGCGAGCTGGCTTGGAACGGGCCTCCCTGCGCTTGCGACGAGCCGGGGTAGGGCGG[C>CGGCA]GGCAGGTAGGTGTGGTAGCGCGTGGCCGAGCCCATGGCCGACATGCCGATGCCGATGCCC-3'

ClinVar aggregate classification (germline): Likely pathogenic. Review status: reviewed by expert panel (3 of 4 stars). 2 submissions from 2 submitters: Likely pathogenic (1). 1 of the submissions does not count toward it. Last evaluated 2026-10-02.

Conditions:
Hereditary thrombocytopenia and hematologic cancer predisposition syndrome. Identifiers: Orphanet 71290, MedGen CN281654, MONDO:0011071.

Submissions (2):

ClinGen Myeloid Malignancy Variant Curation Expert Panel
Classification: Likely pathogenic for Hereditary thrombocytopenia and hematologic cancer predisposition syndrome. Last evaluated: 2026-10-02. Review status: reviewed by expert panel. Criteria: ClinGen MyeloMalig ACMG Specifications V3.1. Collection method: curation. Allele origin: germline. Inheritance: Autosomal dominant inheritance.
Comment: NM_001754.5(RUNX1):c.1142_1145dup (p.Pro383AlafsTer?) is a frameshift variant which is not predicted to undergo NMD (PVS1_Strong). This variant is downstream of c.98 (PM5_Supporting) and is completely absent from all population databases with at least 20x coverage for RUNX1 (PM2_Supporting). In summary, this variant meets criteria to be classified as likely pathogenic. ACMG/AMP criteria applied, as specified by the Myeloid Malignancy Variant Curation Expert Panel for RUNX1: PVS1_Strong, PM5_Supporting, PM2_Supporting.

Genetic Services Laboratory, University of Chicago
Classification: Uncertain significance. Last evaluated: 2020-01-07. Review status: criteria provided, single submitter. Criteria: ACMG Guidelines, 2015. Collection method: clinical testing. Allele origin: germline. Affected: no. Not counted in ClinVar's aggregate classification.